The following is an entry in ClinVar:

NM_025099.6(CTC1):c.3506T>C (p.Val1169Ala)

Gene: CTC1 (CST telomere replication complex component 1; minus strand). Cytogenetic location: 17p13.1.
Variant type: single nucleotide variant.
Coding change: c.3506T>C on transcript NM_025099.6 (MANE Select); coding-DNA position 3506, T replaced by C.
Protein change: p.Val1169Ala; replaces valine 1169 with alanine.
Molecular consequence: missense variant. On other transcripts: non-coding transcript variant (1).
Genome position (GRCh38, 1-based): chr17:8,228,511, A>G on the plus strand (T>C on the coding strand, the complement: CTC1 is on the minus strand). VCF-style: chr17-8228511-A-G. GRCh37 (hg19) VCF-style: chr17-8131829-A-G.
Other names: c.3275T>C, p.Val1092Ala (NM_001411067.1); short protein forms V1169A, V1092A.
Identifiers: ClinVar variation 2762013 (VCV002762013.3), dbSNP rs2507861757, ClinGen allele CA397968183.
Genomic context (GRCh38, chr17:8,228,511, plus strand): 5'-CTCTATCACCATGATCCCCCTATCATCATGATCCCCCCGTCTCCAACCTTACCTAATGGG[A>G]CGATCTTCGACGGTTTCCTTTCCAGCTCAAAAGAAAGCACAATAGGACGGAGGACAGAGG-3'
Protein context (NP_079375.3, residues 1159-1179): FELERKPSKI[Val1169Ala]PLEPPRLQRF

ClinVar aggregate classification (germline): Uncertain significance (1 of 4 stars; one submission).

Conditions:
Dyskeratosis congenita. Identifiers: Orphanet 1775, MedGen C0265965, MONDO:0015780.

Submission:

Labcorp Genetics (formerly Invitae), Labcorp
Classification: Uncertain significance for Dyskeratosis congenita. Last evaluated: 2023-09-27. Review status: criteria provided, single submitter. Criteria: Invitae Variant Classification Sherloc (09022015). Collection method: clinical testing. Allele origin: germline.
Comment: This sequence change replaces valine, which is neutral and non-polar, with alanine, which is neutral and non-polar, at codon 1169 of the CTC1 protein (p.Val1169Ala). This variant is not present in population databases (gnomAD no frequency). This variant has not been reported in the literature in individuals affected with CTC1-related conditions. Algorithms developed to predict the effect of missense changes on protein structure and function output the following: SIFT: "Not Available"; PolyPhen-2: "Benign"; Align-GVGD: "Not Available". The alanine amino acid residue is found in multiple mammalian species, which suggests that this missense change does not adversely affect protein function. In summary, the available evidence is currently insufficient to determine the role of this variant in disease. Therefore, it has been classified as a Variant of Uncertain Significance.